The following is an entry in ClinVar:

NM_000465.4(BARD1):c.947_949delinsAA (p.Leu316_Glu317delinsTer)

Gene: BARD1 (BRCA1 associated RING domain 1; minus strand). Cytogenetic location: 2q35.
Variant type: Indel.
Coding change: c.947_949delinsAA on transcript NM_000465.4 (MANE Select); coding-DNA positions 947 to 949, TAG replaced by AA.
Protein change: p.Leu316_Glu317delinsTer.
Molecular consequence: nonsense. On other transcripts: non-coding transcript variant (2), intron variant (3).
Genome position (GRCh38, 1-based): chr2:214,780,925-214,780,927, CTA replaced by TT on the plus strand (TAG replaced by AA on the coding strand, the reverse complement: BARD1 is on the minus strand). VCF-style: chr2-214780925-CTA-TT. GRCh37 (hg19) VCF-style: chr2-215645649-CTA-TT.
Other names: c.890_892delinsAA, p.Leu297_Glu298delinsTer (NM_001282543.2); c.159-28372_159-28370delinsAA (NM_001282548.2); c.215+16134_215+16136delinsAA (NM_001282545.2); c.364+11370_364+11372delinsAA (NM_001282549.2).
Identifiers: ClinVar variation 2450484 (VCV002450484.2), dbSNP rs2469506256, ClinGen allele CA2580065660.

ClinVar aggregate classification (germline): Pathogenic (1 of 4 stars; one submission).

Conditions:
Hereditary cancer-predisposing syndrome. Also called: Neoplastic Syndromes, Hereditary; Tumor predisposition; Hereditary neoplastic syndrome; Hereditary Cancer Syndrome. Identifiers: Orphanet 140162, MedGen C0027672, MeSH D009386, MONDO:0015356.

Submission:

Ambry Genetics
Classification: Pathogenic for Hereditary cancer-predisposing syndrome. Last evaluated: 2023-03-13. Review status: criteria provided, single submitter. Criteria: Ambry Variant Classification Scheme 2023. Collection method: clinical testing. Allele origin: germline.
Comment: The c.947_949delTAGinsAA variant, located in coding exon 4 of the BARD1 gene, results from the deletion of 3 nucleotides and insertion of two nucleotides causing a translational frameshift with a predicted alternate stop codon (p.L316*). This alteration is expected to result in loss of function by premature protein truncation or nonsense-mediated mRNA decay. As such, this alteration is interpreted as a disease-causing mutation.